The following is an entry in ClinVar:

NM_007294.4(BRCA1):c.4503C>T (p.Cys1501=)

Gene: BRCA1 (BRCA1 DNA repair associated; minus strand). Cytogenetic location: 17q21.31.
Variant type: single nucleotide variant.
Coding change: c.4503C>T on transcript NM_007294.4 (MANE Select); coding-DNA position 4503, C replaced by T.
Protein change: p.Cys1501=; no amino-acid change (cysteine 1501 retained).
Molecular consequence: synonymous variant. On other transcripts: intron variant (3).
Genome position (GRCh38, 1-based): chr17:43,074,503, G>A on the plus strand (C>T on the coding strand, the complement: BRCA1 is on the minus strand). VCF-style: chr17-43074503-G-A. GRCh37 (hg19) VCF-style: chr17-41226520-G-A.
Other names: c.1188C>T, p.Cys396= (NM_001408401.1, NM_001408402.1, NM_001408403.1 and 8 more transcripts); c.1185C>T, p.Cys395= (NM_001408406.1, NM_001408407.1, NM_001408408.1); c.1182C>T, p.Cys394= (NM_001408409.1); c.1119C>T, p.Cys373= (NM_001408410.1); c.1116C>T, p.Cys372= (NM_001408411.1); c.1113C>T, p.Cys371= (NM_001408412.1, NM_001408413.1, NM_001408414.1 and 2 more transcripts); c.1077C>T, p.Cys359= (NM_001408418.1, NM_001408419.1, NM_001408420.1); c.1074C>T, p.Cys358= (NM_001408421.1, NM_001408422.1, NM_001408423.1 and 1 more transcripts); and 71 more.
Identifiers: ClinVar variation 240804 (VCV000240804.21), dbSNP rs747539984, ClinGen allele CA052427.
Genomic context (GRCh38, chr17:43,074,503, plus strand): 5'-GTTTCTATTCTGAAGACTCCCAGAGCAACTGTGCATGTACCACCTATCATCTAATGATGG[G>A]CATTTAGAAGGGGATGACCTAGAAAGATAAATGGAAGGAGAAAACCATCGCCACCAATTG-3'
Protein context (NP_009225.1, residues 1491-1511): PGVERSSPSK[Cys1501=]PSLDDRWYMH

ClinVar aggregate classification (germline): Likely benign. Review status: reviewed by expert panel (3 of 4 stars). 7 submissions from 7 submitters: Likely benign (1). 6 of the submissions do not count toward it. Last evaluated 2017-06-29.

Conditions:
Hereditary breast ovarian cancer syndrome. Also called: Hereditary breast and ovarian cancer syndrome (HBOC); Breast and ovarian cancer; Hereditary breast and ovarian cancer syndrome; Hereditary breast and ovarian cancer; BRCA1- and BRCA2-Associated Hereditary Breast and Ovarian Cancer; Hereditary breast and/or ovarian cancer syndrome. Identifiers: Orphanet 145, MedGen C0677776, MeSH D061325, MONDO:0003582. Disease mechanism: loss of function.
Breast-ovarian cancer, familial, susceptibility to, 1 (BROVCA1). Also called: BRCA1 Hereditary Breast and Ovarian Cancer; OVARIAN CANCER, SUSCEPTIBILITY TO. Identifiers: Orphanet 145, MedGen C2676676, MONDO:0011450, OMIM 604370. Disease mechanism: loss of function.
Hereditary cancer-predisposing syndrome. Also called: Hereditary Cancer Syndrome; Neoplastic Syndromes, Hereditary; Hereditary neoplastic syndrome; Tumor predisposition. Identifiers: Orphanet 140162, MedGen C0027672, MeSH D009386, MONDO:0015356.

Allele frequency attached by ClinVar (database versions not stated): gnomAD exomes below 0.00001; ExAC 0.00001.
gnomAD v4.1: 1 of 1,613,878 alleles (0.000062%); highest among the groups gnomAD compares: Non-Finnish European, 0.000085%; no homozygotes.

Submissions (7):

Evidence-based Network for the Interpretation of Germline Mutant Alleles (ENIGMA)
Classification: Likely benign for Breast-ovarian cancer, familial, susceptibility to, 1. Last evaluated: 2017-06-29. Review status: reviewed by expert panel. Criteria: ENIGMA BRCA1/2 Classification Criteria (2017-06-29). Collection method: curation. Allele origin: germline.
Comment: Synonymous substitution variant, with low bioinformatic likelihood to result in a splicing aberration (Splicing prior probability 0.02).

Labcorp Genetics (formerly Invitae), Labcorp
Classification: Likely benign for Hereditary breast ovarian cancer syndrome. Last evaluated: 2025-11-18. Review status: criteria provided, single submitter. Criteria: Invitae Variant Classification Sherloc (09022015). Collection method: clinical testing. Allele origin: germline. Not counted in ClinVar's aggregate classification.

All of Us Research Program, National Institutes of Health
Classification: Likely benign for Breast-ovarian cancer, familial, susceptibility to, 1. Last evaluated: 2023-06-15. Review status: criteria provided, single submitter. Criteria: ACMG Guidelines, 2015. Collection method: clinical testing. Allele origin: germline. Inheritance: Autosomal dominant inheritance. Observed: 1 variant allele, 1 heterozygote. Not counted in ClinVar's aggregate classification.
Comment: This study involves interpretation of variants in research participants for the purpose of population health screening. Participant phenotype was not available at the time of variant classification. Additional details can be found in publication PMID: 35346344, PMCID: PMC8962531

Women's Health and Genetics/Laboratory Corporation of America, LabCorp
Classification: Likely benign. Last evaluated: 2022-12-15. Review status: criteria provided, single submitter. Criteria: LabCorp Variant Classification Summary - May 2015. Collection method: clinical testing. Allele origin: germline. Not counted in ClinVar's aggregate classification.

Ambry Genetics
Classification: Likely benign for Hereditary cancer-predisposing syndrome. Last evaluated: 2018-06-20. Review status: criteria provided, single submitter. Criteria: Ambry Variant Classification Scheme 2023. Collection method: clinical testing. Allele origin: germline. Not counted in ClinVar's aggregate classification.

GeneDx
Classification: Likely benign. Last evaluated: 2018-03-07. Review status: criteria provided, single submitter. Criteria: GeneDx Variant Classification (06012015). Collection method: clinical testing. Allele origin: germline. Affected: yes. Not counted in ClinVar's aggregate classification.
Comment: This variant is considered likely benign or benign based on one or more of the following criteria: it is a conservative change, it occurs at a poorly conserved position in the protein, it is predicted to be benign by multiple in silico algorithms, and/or has population frequency not consistent with disease.

Color Diagnostics, LLC DBA Color Health
Classification: Likely benign for Hereditary cancer-predisposing syndrome. Last evaluated: 2017-11-16. Review status: criteria provided, single submitter. Criteria: ACMG Guidelines, 2015. Collection method: clinical testing. Allele origin: germline. Not counted in ClinVar's aggregate classification.